The following is an entry in ClinVar:

NM_000059.4(BRCA2):c.7865dup (p.Asn2622fs)

Gene: BRCA2 (BRCA2 DNA repair associated; plus strand). Cytogenetic location: 13q13.1.
Variant type: Duplication.
Coding change: c.7865dup on transcript NM_000059.4 (MANE Select); coding-DNA position 7865, one base duplicated (A; older notation c.7865dupA).
Protein change: p.Asn2622fs; shifts the reading frame from asparagine 2622.
Molecular consequence: frameshift variant.
Genome position (GRCh38, 1-based): chr13:32,362,582, A duplicated; the last of 2 consecutive A bases (chr13:32,362,581-32,362,582); duplicating either gives the same sequence. VCF-style (leftmost placement, unchanged base first): chr13-32362580-T-TA. GRCh37 (hg19) VCF-style: chr13-32936717-T-TA.
Other names: 8093insA; c.7865dupA (NM_000059.3); short protein forms N2622fs.
Identifiers: ClinVar variation 267039 (VCV000267039.19), dbSNP rs886040732, ClinGen allele CA10589454.

ClinVar aggregate classification (germline): Pathogenic. Review status: reviewed by expert panel (3 of 4 stars). 5 submissions from 5 submitters: Pathogenic (1). 4 of the submissions do not count toward it. Last evaluated 2016-10-18.

Conditions:
Hereditary cancer-predisposing syndrome. Also called: Hereditary neoplastic syndrome; Neoplastic Syndromes, Hereditary; Tumor predisposition; Hereditary Cancer Syndrome. Identifiers: Orphanet 140162, MedGen C0027672, MeSH D009386, MONDO:0015356.
Breast-ovarian cancer, familial, susceptibility to, 2 (BROVCA2). Also called: BRCA2 Hereditary Breast and Ovarian Cancer. Identifiers: Orphanet 145, MedGen C2675520, MONDO:0012933, OMIM 612555. Disease mechanism: loss of function.
Hereditary breast ovarian cancer syndrome. Also called: BRCA1- and BRCA2-Associated Hereditary Breast and Ovarian Cancer; Hereditary breast and ovarian cancer; Breast and ovarian cancer; Hereditary breast and/or ovarian cancer syndrome; Hereditary breast and ovarian cancer syndrome; Hereditary breast and ovarian cancer syndrome (HBOC). Identifiers: Orphanet 145, MedGen C0677776, MeSH D061325, MONDO:0003582. Disease mechanism: loss of function.

Submissions (5):

Evidence-based Network for the Interpretation of Germline Mutant Alleles (ENIGMA)
Classification: Pathogenic for Breast-ovarian cancer, familial, susceptibility to, 2. Last evaluated: 2016-10-18. Review status: reviewed by expert panel. Criteria: ENIGMA BRCA1/2 Classification Criteria (2015). Collection method: curation. Allele origin: germline.
Comment: Variant allele predicted to encode a truncated non-functional protein.

Ambry Genetics
Classification: Pathogenic for Hereditary cancer-predisposing syndrome. Last evaluated: 2025-05-09. Review status: criteria provided, single submitter. Criteria: Ambry Variant Classification Scheme 2023. Collection method: clinical testing. Allele origin: germline. Not counted in ClinVar's aggregate classification.
Comment: The c.7865dupA pathogenic mutation, located in coding exon 16 of the BRCA2 gene, results from a duplication of A at nucleotide position 7865, causing a translational frameshift with a predicted alternate stop codon (p.N2622Kfs*4). This variant is considered to be rare based on population cohorts in the Genome Aggregation Database (gnomAD). This alteration is expected to result in loss of function by premature protein truncation or nonsense-mediated mRNA decay. As such, this alteration is interpreted as a disease-causing mutation.

Labcorp Genetics (formerly Invitae), Labcorp
Classification: Pathogenic for Hereditary breast ovarian cancer syndrome. Last evaluated: 2022-10-04. Review status: criteria provided, single submitter. Criteria: Invitae Variant Classification Sherloc (09022015). Collection method: clinical testing. Allele origin: germline. Not counted in ClinVar's aggregate classification.
Comment: For these reasons, this variant has been classified as Pathogenic. ClinVar contains an entry for this variant (Variation ID: 267039). This premature translational stop signal has been observed in individual(s) with breast and bladder cancer (PMID: 28008555). This variant is not present in population databases (gnomAD no frequency). This sequence change creates a premature translational stop signal (p.Asn2622Lysfs*4) in the BRCA2 gene. It is expected to result in an absent or disrupted protein product. Loss-of-function variants in BRCA2 are known to be pathogenic (PMID: 20104584).

Women's Health and Genetics/Laboratory Corporation of America, LabCorp
Classification: Pathogenic for Hereditary breast and ovarian cancer syndrome. Last evaluated: 2019-07-26. Review status: criteria provided, single submitter. Criteria: LabCorp Variant Classification Summary - May 2015. Collection method: clinical testing. Allele origin: germline. Not counted in ClinVar's aggregate classification.
Comment: Variant summary: BRCA2 c.7865dupA (p.Asn2622LysfsX4) results in a premature termination codon, predicted to cause a truncation of the encoded protein or absence of the protein due to nonsense mediated decay, which are commonly known mechanisms for disease. Truncations downstream of this position have been classified as pathogenic by our laboratory. To our knowledge, no experimental evidence demonstrating an impact on protein function has been reported. Four submitters including one expert panel (ENIGMA) have provided clinical-significance assessments for this variant to ClinVar after 2014 without evidence for independent evaluation and classified the variant as pathogenic. Based on the evidence outlined above, the variant was classified as pathogenic.

Consortium of Investigators of Modifiers of BRCA1/2 (CIMBA), c/o University of Cambridge
Classification: Pathogenic for Breast-ovarian cancer, familial, susceptibility to, 2. Last evaluated: 2015-10-02. Review status: criteria provided, single submitter. Criteria: CIMBA Mutation Classification guidelines May 2016. Collection method: clinical testing. Allele origin: germline. Not counted in ClinVar's aggregate classification.

Literature cited by the submitters: PubMed 28008555 (cited by Labcorp Genetics (formerly Invitae), Labcorp and Women's Health and Genetics/Laboratory Corporation of America, LabCorp); PubMed 20104584 (cited by Labcorp Genetics (formerly Invitae), Labcorp); PubMed 29446198 (cited by Women's Health and Genetics/Laboratory Corporation of America, LabCorp).